The following is an entry in ClinVar:

NM_016151.4(TAOK2):c.3253T>C (p.Trp1085Arg)

Gene: TAOK2 (TAO kinase 2; plus strand). Cytogenetic location: 16p11.2.
Variant type: single nucleotide variant.
Coding change: c.3253T>C on transcript NM_016151.4 (MANE Select); coding-DNA position 3253, T replaced by C.
Protein change: p.Trp1085Arg; replaces tryptophan 1085 with arginine.
Molecular consequence: missense variant. On other transcripts: intron variant (1).
Genome position (GRCh38, 1-based): chr16:29,987,525, T>C. VCF-style: chr16-29987525-T-C. GRCh37 (hg19) VCF-style: chr16-29998846-T-C.
Other names: c.2914T>C, p.Trp972Arg (NM_001252043.2); c.2232+1021T>C (NM_004783.4); short protein forms W1085R, W972R.
Identifiers: ClinVar variation 3002941 (VCV003002941.3), dbSNP rs2543671463, ClinGen allele CA395499604.

ClinVar aggregate classification (germline): Uncertain significance (1 of 4 stars; one submission).

Allele frequency attached by ClinVar (database versions not stated): gnomAD exomes below 0.00001.
gnomAD v4.1: 1 of 1,610,280 alleles (0.000062%); highest among the groups gnomAD compares: Non-Finnish European, 0.000085%; no homozygotes.

Submission:

Labcorp Genetics (formerly Invitae), Labcorp
Classification: Uncertain significance. Last evaluated: 2023-12-01. Review status: criteria provided, single submitter. Criteria: Invitae Variant Classification Sherloc (09022015). Collection method: clinical testing. Allele origin: germline.
Comment: This sequence change replaces tryptophan, which is neutral and slightly polar, with arginine, which is basic and polar, at codon 1085 of the TAOK2 protein (p.Trp1085Arg). This variant is not present in population databases (gnomAD no frequency). This variant has not been reported in the literature in individuals affected with TAOK2-related conditions. An algorithm developed to predict the effect of missense changes on protein structure and function (PolyPhen-2) suggests that this variant is likely to be disruptive. In summary, the available evidence is currently insufficient to determine the role of this variant in disease. Therefore, it has been classified as a Variant of Uncertain Significance.